The following is an entry in ClinVar:

NM_000051.4(ATM):c.2169G>A (p.Val723=)

Gene: ATM (ATM serine/threonine kinase; plus strand). Cytogenetic location: 11q22.3.
Variant type: single nucleotide variant.
Coding change: c.2169G>A on transcript NM_000051.4 (MANE Select); coding-DNA position 2169, G replaced by A.
Protein change: p.Val723=; no amino-acid change (valine 723 retained).
Molecular consequence: synonymous variant.
Genome position (GRCh38, 1-based): chr11:108,256,259, G>A. VCF-style: chr11-108256259-G-A. GRCh37 (hg19) VCF-style: chr11-108126986-G-A.
Other names: c.2169G>A, p.Val723= (NM_001351834.2).
Identifiers: ClinVar variation 3624657 (VCV003624657.2).

ClinVar aggregate classification (germline): Uncertain significance (1 of 4 stars; one submission).

Conditions:
Ataxia-telangiectasia syndrome (AT). Also called: Ataxia-telangiectasia, complementation group D; AT, COMPLEMENTATION GROUP C; Ataxia-telangiectasia; Ataxia telangiectasia (A-T); Cerebello-oculocutaneous telangiectasia; Immunodeficiency with ataxia telangiectasia. Identifiers: Orphanet 100, MedGen C0004135, MONDO:0008840, OMIM 208900.

Submission:

Labcorp Genetics (formerly Invitae), Labcorp
Classification: Uncertain significance for Ataxia-telangiectasia syndrome. Last evaluated: 2024-02-15. Review status: criteria provided, single submitter. Criteria: Invitae Variant Classification Sherloc (09022015). Collection method: clinical testing. Allele origin: germline.
Comment: This sequence change affects codon 723 of the ATM mRNA. It is a 'silent' change, meaning that it does not change the encoded amino acid sequence of the ATM protein. This variant is not present in population databases (gnomAD no frequency). This variant has not been reported in the literature in individuals affected with ATM-related conditions. Algorithms developed to predict the effect of sequence changes on RNA splicing suggest that this variant may disrupt the consensus splice site. In summary, the available evidence is currently insufficient to determine the role of this variant in disease. Therefore, it has been classified as a Variant of Uncertain Significance.